The following is an entry in ClinVar:

NM_002734.5(PRKAR1A):c.1121A>G (p.Asn374Ser)

Gene: PRKAR1A (protein kinase cAMP-dependent type I regulatory subunit alpha; plus strand). Cytogenetic location: 17q24.2.
Variant type: single nucleotide variant.
Coding change: c.1121A>G on transcript NM_002734.5 (MANE Select); coding-DNA position 1121, A replaced by G.
Protein change: p.Asn374Ser; replaces asparagine 374 with serine.
Molecular consequence: missense variant. On other transcripts: intron variant (1).
Genome position (GRCh38, 1-based): chr17:68,530,424, A>G. VCF-style: chr17-68530424-A-G. GRCh37 (hg19) VCF-style: chr17-66526565-A-G.
Other names: c.1121A>G, p.Asn374Ser (NM_001276289.2, NM_001278433.2, NM_001369389.1 and 3 more transcripts); c.973+423A>G (NM_001276290.1); short protein forms N374S.
Identifiers: ClinVar variation 1440318 (VCV001440318.6), dbSNP rs1184620103, ClinGen allele CA400754960.

ClinVar aggregate classification (germline): Uncertain significance (1 of 4 stars; one submission).

Conditions:
Carney complex, type 1 (CNC1). Also called: CARNEY COMPLEX, TYPE I; CARNEY MYXOMA-ENDOCRINE COMPLEX. Identifiers: Orphanet 1359, MedGen C2607929, MONDO:0008057, OMIM 160980.

Allele frequency attached by ClinVar (database versions not stated): gnomAD exomes below 0.00001.

Submission:

Labcorp Genetics (formerly Invitae), Labcorp
Classification: Uncertain significance for Carney complex, type 1. Last evaluated: 2023-01-15. Review status: criteria provided, single submitter. Criteria: Invitae Variant Classification Sherloc (09022015). Collection method: clinical testing. Allele origin: germline.
Comment: In summary, the available evidence is currently insufficient to determine the role of this variant in disease. Therefore, it has been classified as a Variant of Uncertain Significance. Algorithms developed to predict the effect of missense changes on protein structure and function (SIFT, PolyPhen-2, Align-GVGD) all suggest that this variant is likely to be tolerated. ClinVar contains an entry for this variant (Variation ID: 1440318). This variant has not been reported in the literature in individuals affected with PRKAR1A-related conditions. This variant is present in population databases (no rsID available, gnomAD 0.004%). This sequence change replaces asparagine, which is neutral and polar, with serine, which is neutral and polar, at codon 374 of the PRKAR1A protein (p.Asn374Ser).